The following is an entry in ClinVar:

ClinVar aggregate classification (germline): Likely pathogenic (0 of 4 stars; one submission).

Conditions:
Mevalonic aciduria (MEVA). Identifiers: Orphanet 29, MedGen C1959626, MONDO:0012481, OMIM 610377.

Allele frequency attached by ClinVar (database versions not stated): gnomAD 0.00001; gnomAD exomes 0.00001.
gnomAD v4.1: 14 of 1,497,794 alleles (0.00093%); highest among the groups gnomAD compares: Non-Finnish European, 0.0013%; no homozygotes.

Submission:

Heon Lab, The Hospital for Sick Children
Classification: Likely pathogenic for Mevalonic aciduria. Last evaluated: 2022-07-07. Review status: no assertion criteria provided. Collection method: research. Allele origin: inherited. Affected: yes. Observed: 1 variant allele.
Comment: Variant causes incomplete splicing. The spliced transcrip results in frameshift premature stop. Found in trans with known variant NM_000431.3: c.803T>C: p.Ile268Thr. IPhenotype mild MEVA. Includes retinitis pigmentosa, cerebellar atrophy, but levels of urine mevalonate and LTE4 mildly high. More similar with HIDS.

NM_000431.4(MVK):c.768+71C>A

Gene: MVK (mevalonate kinase; plus strand). Cytogenetic location: 12q24.11.
Variant type: single nucleotide variant.
Coding change: c.768+71C>A on transcript NM_000431.4 (MANE Select); 71 bases into the intron after coding-DNA position 768, C replaced by A.
Molecular consequence: intron variant.
Genome position (GRCh38, 1-based): chr12:109,590,932, C>A. VCF-style: chr12-109590932-C-A. GRCh37 (hg19) VCF-style: chr12-110028737-C-A.
Other names: c.612+71C>A (NM_001301182.2); c.768+71C>A (NM_001114185.3).
Identifiers: ClinVar variation 1695892 (VCV001695892.3), dbSNP rs1198834556, ClinGen allele CA607288826.